The following is an entry in ClinVar:

ClinVar aggregate classification (germline): Benign/Likely benign. Review status: criteria provided, multiple submitters, no conflicts (2 of 4 stars). 2 submissions from 2 submitters: Benign (1); Likely benign (1). Last evaluated 2024-11-11.

Conditions:
Hereditary cancer-predisposing syndrome. Also called: Hereditary Cancer Syndrome; Hereditary neoplastic syndrome; Tumor predisposition; Neoplastic Syndromes, Hereditary. Identifiers: Orphanet 140162, MedGen C0027672, MeSH D009386, MONDO:0015356.
Papillary renal cell carcinoma type 1 (RCCP1). Also called: RENAL CELL CARCINOMA, PAPILLARY, 1, SOMATIC; Renal adenocarcinoma; Renal cell carcinoma 1; Renal cell carcinoma, somatic. Identifiers: Orphanet 47044, MedGen C1336839, OMIM 605074, HP:0011797.

gnomAD v4.1: 3 of 1,613,698 alleles (0.00019%); highest among the groups gnomAD compares: Non-Finnish European, 0.00025%; no homozygotes.

Submissions (2):

Myriad Genetics, Inc.
Classification: Benign for Papillary renal cell carcinoma type 1. Last evaluated: 2024-11-11. Review status: criteria provided, single submitter. Criteria: Myriad Autosomal Dominant, Autosomal Recessive and X-Linked Classification Criteria (2023). Collection method: clinical testing. Allele origin: unknown.
Comment: This variant is considered benign. This variant is a silent/synonymous amino acid change and it is not expected to impact splicing.

Ambry Genetics
Classification: Likely benign for Hereditary cancer-predisposing syndrome. Last evaluated: 2019-07-16. Review status: criteria provided, single submitter. Criteria: Ambry Variant Classification Scheme 2023. Collection method: clinical testing. Allele origin: germline.

NM_000245.4(MET):c.2406C>A (p.Thr802=)

Gene: MET (MET proto-oncogene, receptor tyrosine kinase; plus strand). Cytogenetic location: 7q31.2.
Variant type: single nucleotide variant.
Coding change: c.2406C>A on transcript NM_000245.4 (MANE Select); coding-DNA position 2406, C replaced by A.
Protein change: p.Thr802=; no amino-acid change (threonine 802 retained).
Molecular consequence: synonymous variant.
Genome position (GRCh38, 1-based): chr7:116,763,091, C>A. VCF-style: chr7-116763091-C-A. GRCh37 (hg19) VCF-style: chr7-116403145-C-A.
Other names: c.2460C>A, p.Thr820= (NM_001127500.3); c.2406C>A, p.Thr802= (NM_001324401.3); c.1116C>A, p.Thr372= (NM_001324402.2).
Identifiers: ClinVar variation 1791626 (VCV001791626.3), dbSNP rs1433483763, ClinGen allele CA457441651.
Genomic context (GRCh38, chr7:116,763,091, plus strand): 5'-TAATTGTGTCTTTCTCTAGGCATGTCAACATCGCTCTAATTCAGAGATAATCTGTTGTAC[C>A]ACTCCTTCCCTGCAACAGCTGAATCTGCAACTCCCCCTGAAAACCAAAGCCTTTTTCATG-3'
Protein context (NP_000236.2, residues 792-812): HRSNSEIICC[Thr802=]TPSLQQLNLQ